The following is an entry in ClinVar:

ClinVar aggregate classification (germline): Uncertain significance (1 of 4 stars; one submission).

Conditions:
Hereditary spastic paraplegia 64. Also called: ENTPD1-Related Neurodevelopmental Disorder; Spastic paraplegia 64, autosomal recessive. Identifiers: Orphanet 401810, MedGen C3810289, MONDO:0014303, OMIM 615683.

Allele frequency attached by ClinVar (database versions not stated): gnomAD exomes below 0.00001 and 0.00001.
gnomAD v4.1: 13 of 1,614,164 alleles (0.00081%); highest among the groups gnomAD compares: Non-Finnish European, 0.0011%; no homozygotes.

Submission:

Labcorp Genetics (formerly Invitae), Labcorp
Classification: Uncertain significance for Hereditary spastic paraplegia 64. Last evaluated: 2022-10-13. Review status: criteria provided, single submitter. Criteria: Invitae Variant Classification Sherloc (09022015). Collection method: clinical testing. Allele origin: germline.
Comment: This variant has not been reported in the literature in individuals affected with ENTPD1-related conditions. This variant is present in population databases (no rsID available, gnomAD 0.0009%). This sequence change replaces leucine, which is neutral and non-polar, with phenylalanine, which is neutral and non-polar, at codon 350 of the ENTPD1 protein (p.Leu350Phe). ClinVar contains an entry for this variant (Variation ID: 541702). In summary, the available evidence is currently insufficient to determine the role of this variant in disease. Therefore, it has been classified as a Variant of Uncertain Significance. Advanced modeling of protein sequence and biophysical properties (such as structural, functional, and spatial information, amino acid conservation, physicochemical variation, residue mobility, and thermodynamic stability) has been performed at Invitae for this missense variant, however the output from this modeling did not meet the statistical confidence thresholds required to predict the impact of this variant on ENTPD1 protein function.

NM_001776.6(ENTPD1):c.1050G>C (p.Leu350Phe)

Genes: ENTPD1 (ectonucleoside triphosphate diphosphohydrolase 1; plus strand), ENTPD1-AS1 (ENTPD1 antisense RNA 1; minus strand). Cytogenetic location: 10q24.1.
Variant type: single nucleotide variant.
Coding change: c.1050G>C on transcript NM_001776.6 (MANE Select); coding-DNA position 1050, G replaced by C.
Protein change: p.Leu350Phe; replaces leucine 350 with phenylalanine.
Molecular consequence: missense variant.
Genome position (GRCh38, 1-based): chr10:95,847,682, G>C. VCF-style: chr10-95847682-G-C. GRCh37 (hg19) VCF-style: chr10-97607439-G-C.
Other names: c.1071G>C, p.Leu357Phe (NM_001098175.2); c.1086G>C, p.Leu362Phe (NM_001164178.1, NM_001320916.1); c.927G>C, p.Leu309Phe (NM_001164179.2); c.726G>C, p.Leu242Phe (NM_001164181.1, NM_001312654.1); c.636G>C, p.Leu212Phe (NM_001164182.2, NM_001164183.2); short protein forms L357F, L350F, L309F, L362F, L242F, L212F.
Identifiers: ClinVar variation 541702 (VCV000541702.7), dbSNP rs1004293638, ClinGen allele CA212154907.
Genomic context (GRCh38, chr10:95,847,682, plus strand): 5'-GGAGCTCTTCAACACCAGTTACTGCCCTTACTCCCAGTGTGCCTTCAATGGGATTTTCTT[G>C]CCACCACTCCAGGGGGATTTTGGGGTAAGTTTGTGAAATGATGAGGTATAGGATGTCTTG-3'
Protein context (NP_001767.3, residues 340-360): YSQCAFNGIF[Leu350Phe]PPLQGDFGAF